The following is an entry in ClinVar:

NM_000022.4(ADA):c.507dup (p.Lys170Ter)

Gene: ADA (adenosine deaminase; minus strand). Cytogenetic location: 20q13.12.
Variant type: Duplication.
Coding change: c.507dup on transcript NM_000022.4 (MANE Select); coding-DNA position 507, one base duplicated (T; older notation c.507dupT).
Protein change: p.Lys170Ter; replaces lysine 170 with a stop codon.
Molecular consequence: nonsense. On other transcripts: non-coding transcript variant (1).
Genome position (GRCh38, 1-based): chr20:44,624,301, A duplicated on the plus strand (T on the coding strand, the reverse complement: ADA is on the minus strand). VCF-style (leftmost placement, unchanged base first): chr20-44624300-T-TA. GRCh37 (hg19) VCF-style: chr20-43252941-T-TA.
Other names: c.102dup, p.Lys35Ter (NM_001322050.2); c.507dup, p.Lys170Ter (NM_001322051.2); short protein forms K35*, K170*.
Identifiers: ClinVar variation 2747975 (VCV002747975.3), dbSNP rs1568844677, ClinGen allele CA636174169.
Genomic context (GRCh38, chr20:44,624,300, plus strand): 5'-CTGGGATGGTCTCATCTCCAGCCAGGTCAATGGCTACCACGGTCTGCTGCTGGTACTTCT[T>TA]ACACAGCTCCACCACCTTGGGGGACCAGTCTGTGGGCGAGATGCCCACCCAGGCTCTGTC-3'

ClinVar aggregate classification (germline): Pathogenic (1 of 4 stars; one submission).

Conditions:
Severe combined immunodeficiency, autosomal recessive, T cell-negative, B cell-negative, NK cell-negative, due to adenosine deaminase deficiency. Also called: ADA deficiency; Adenosine deaminase deficient severe combined immunodeficiency; Severe combined immunodeficiency due to ADA deficiency; Adenosine Deaminase Deficiency; ADA-SCID; SCID DUE TO ADA DEFICIENCY. Identifiers: Orphanet 277, MedGen C0392607, MONDO:0007064, OMIM 102700.

Allele frequency attached by ClinVar (database versions not stated): gnomAD exomes below 0.00001.

Submission:

Labcorp Genetics (formerly Invitae), Labcorp
Classification: Pathogenic for Severe combined immunodeficiency, autosomal recessive, T cell-negative, B cell-negative, NK cell-negative, due to adenosine deaminase deficiency. Last evaluated: 2023-07-28. Review status: criteria provided, single submitter. Criteria: Invitae Variant Classification Sherloc (09022015). Collection method: clinical testing. Allele origin: germline.
Comment: For these reasons, this variant has been classified as Pathogenic. This variant has not been reported in the literature in individuals affected with ADA-related conditions. This variant is present in population databases (no rsID available, gnomAD 0.003%). This sequence change creates a premature translational stop signal (p.Lys170*) in the ADA gene. It is expected to result in an absent or disrupted protein product. Loss-of-function variants in ADA are known to be pathogenic (PMID: 26255240, 26376800).

Literature cited by the submitters: PubMed 26255240; PubMed 26376800.